The following is an entry in ClinVar:

NM_000419.5(ITGA2B):c.1394-3T>C

Gene: ITGA2B (integrin subunit alpha 2b; minus strand). Cytogenetic location: 17q21.31.
Variant type: single nucleotide variant.
Coding change: c.1394-3T>C on transcript NM_000419.5 (MANE Select); 3 bases into the intron before coding-DNA position 1394, T replaced by C.
Molecular consequence: intron variant.
Genome position (GRCh38, 1-based): chr17:44,380,648, A>G on the plus strand (T>C on the coding strand, the complement: ITGA2B is on the minus strand). VCF-style: chr17-44380648-A-G. GRCh37 (hg19) VCF-style: chr17-42458016-A-G.
Identifiers: ClinVar variation 3032522 (VCV003032522.2), dbSNP rs760249168, ClinGen allele CA8603106.
Genomic context (GRCh38, chr17:44,380,648, plus strand): 5'-GCCAGTGCTCACCTGTACACAGCCACCTGGTTGGCCCCGTAAGCTCCCACGATCAGGTCT[A>G]TAGACATCGAGGAATGGGTCAGAATTGGCGATTAGGGCATGGGATCCTCATCTCATCTTC-3'

ClinVar aggregate classification (germline): Likely benign (0 of 4 stars; one submission).

Conditions:
ITGA2B-related disorder. Also called: ITGA2B-related condition; ITGA2B-related disorders.

Allele frequency attached by ClinVar (database versions not stated): TOPMed below 0.00001; gnomAD 0.00001.

Submission:

PreventionGenetics, part of Exact Sciences
Classification: Likely benign for ITGA2B-related condition. Last evaluated: 2020-10-28. Review status: no assertion criteria provided. Collection method: clinical testing. Allele origin: germline.
Comment: This variant is classified as likely benign based on ACMG/AMP sequence variant interpretation guidelines (Richards et al. 2015 PMID: 25741868, with internal and published modifications).